The following is an entry in ClinVar:

ClinVar aggregate classification (germline): Likely benign. Review status: criteria provided, multiple submitters, no conflicts (2 of 4 stars). 4 submissions from 4 submitters: Likely benign (4). Last evaluated 2026-08-29.

Conditions:
Cardiomyopathy (CMYO). Also called: Cardiomyopathies. Identifiers: Orphanet 167848, MedGen C0878544, MONDO:0004994, HP:0001638. Inheritance: Various modes of inheritance.
Cardiovascular phenotype. Identifiers: MedGen CN230736.
Hypertrophic cardiomyopathy 4. Also called: Familial hypertrophic cardiomyopathy 4. Identifiers: MedGen C1861862, MONDO:0007268, OMIM 115197.
Left ventricular noncompaction 10 (LVNC10). Identifiers: Orphanet 154, Orphanet 54260, MedGen C3715165, MONDO:0014163, OMIM 615396.
Hypertrophic cardiomyopathy. Also called: HYPERTROPHIC MYOCARDIOPATHY. Identifiers: Orphanet 217569, MedGen C0007194, MeSH D002312, MONDO:0005045, HP:0001639.

Allele frequency attached by ClinVar (database versions not stated): gnomAD exomes below 0.00001.
gnomAD v4.1: 4 of 1,614,032 alleles (0.00025%); highest among the groups gnomAD compares: Non-Finnish European, 0.00017%; no homozygotes.

Submissions (4):

Ambry Genetics
Classification: Likely benign for Cardiovascular phenotype. Last evaluated: 2026-08-29. Review status: criteria provided, single submitter. Criteria: Ambry Variant Classification Scheme 2023. Collection method: clinical testing. Allele origin: germline.

All of Us Research Program, National Institutes of Health
Classification: Likely benign for Hypertrophic cardiomyopathy. Last evaluated: 2023-03-28. Review status: criteria provided, single submitter. Criteria: ACMG Guidelines, 2015. Collection method: clinical testing. Allele origin: germline. Inheritance: Autosomal dominant inheritance. Observed: 1 variant allele, 1 heterozygote.
Comment: This study involves interpretation of variants in research participants for the purpose of population health screening. Participant phenotype was not available at the time of variant classification. Additional details can be found in publication PMID: 35346344, PMCID: PMC8962531

Fulgent Genetics
Classification: Likely benign for Hypertrophic cardiomyopathy 4; Left ventricular noncompaction 10. Last evaluated: 2021-07-19. Review status: criteria provided, single submitter. Criteria: ACMG Guidelines, 2015. Collection method: clinical testing. Allele origin: unknown.

Color Diagnostics, LLC DBA Color Health
Classification: Likely benign for Cardiomyopathy. Last evaluated: 2019-04-28. Review status: criteria provided, single submitter. Criteria: ACMG Guidelines, 2015. Collection method: clinical testing. Allele origin: germline.

NM_000256.3(MYBPC3):c.1521G>A (p.Gly507=)

Gene: MYBPC3 (myosin binding protein C3; minus strand). Cytogenetic location: 11p11.2.
Variant type: single nucleotide variant.
Coding change: c.1521G>A on transcript NM_000256.3 (MANE Select); coding-DNA position 1521, G replaced by A.
Protein change: p.Gly507=; no amino-acid change (glycine 507 retained).
Molecular consequence: synonymous variant.
Genome position (GRCh38, 1-based): chr11:47,342,681, C>T on the plus strand (G>A on the coding strand, the complement: MYBPC3 is on the minus strand). VCF-style: chr11-47342681-C-T. GRCh37 (hg19) VCF-style: chr11-47364232-C-T.
Identifiers: ClinVar variation 926890 (VCV000926890.5), dbSNP rs1235816440, ClinGen allele CA474219887.